The following is an entry in ClinVar:

NM_033118.4(MYLK2):c.834T>A (p.Asn278Lys)

Gene: MYLK2 (myosin light chain kinase 2; plus strand). Cytogenetic location: 20q11.21.
Variant type: single nucleotide variant.
Coding change: c.834T>A on transcript NM_033118.4 (MANE Select); coding-DNA position 834, T replaced by A.
Protein change: p.Asn278Lys; replaces asparagine 278 with lysine.
Molecular consequence: missense variant.
Genome position (GRCh38, 1-based): chr20:31,823,538, T>A. VCF-style: chr20-31823538-T-A. GRCh37 (hg19) VCF-style: chr20-30411341-T-A.
Other names: p.N278K:AAT>AAA; short protein forms N278K.
Identifiers: ClinVar variation 191740 (VCV000191740.33), dbSNP rs41293104, ClinGen allele CA237418.

ClinVar aggregate classification (germline): Conflicting classifications of pathogenicity. Review status: criteria provided, conflicting classifications (1 of 4 stars). 9 submissions from 9 submitters: Uncertain significance (4); Likely benign (4). 1 of the submissions does not count toward it. Last evaluated 2026-01-26.

Conditions:
MYLK2-related disorder. Also called: MYLK2-related condition.
Hypertrophic cardiomyopathy 1 (CMH1). Also called: Familial hypertrophic cardiomyopathy 1; MYH7-Related Familial Hypertrophic Cardiomyopathy. Identifiers: MedGen C3495498, MONDO:0008647, OMIM 192600.
Cardiomyopathy (CMYO). Also called: Cardiomyopathies. Identifiers: Orphanet 167848, MedGen C0878544, MONDO:0004994, HP:0001638. Inheritance: Various modes of inheritance.
Hypertrophic cardiomyopathy. Also called: HYPERTROPHIC MYOCARDIOPATHY. Identifiers: Orphanet 217569, MedGen C0007194, MeSH D002312, MONDO:0005045, HP:0001639.

Allele frequency attached by ClinVar (database versions not stated): gnomAD exomes 0.00027 and 0.00060; ExAC 0.00031; gnomAD 0.00044; TOPMed 0.00045; ESP Exome Variant Server 0.00046; 1000 Genomes Project 0.00060; 1000 Genomes Project 30x 0.00062.
gnomAD v4.1: 925 of 1,613,908 alleles (0.057%); highest among the groups gnomAD compares: Non-Finnish European, 0.074%; 2 homozygotes.

Submissions (9):

Labcorp Genetics (formerly Invitae), Labcorp
Classification: Likely benign for Hypertrophic cardiomyopathy 1. Last evaluated: 2026-01-26. Review status: criteria provided, single submitter. Criteria: Invitae Variant Classification Sherloc (09022015). Collection method: clinical testing. Allele origin: germline.

Women's Health and Genetics/Laboratory Corporation of America, LabCorp
Classification: Likely benign. Last evaluated: 2025-06-27. Review status: criteria provided, single submitter. Criteria: LabCorp Variant Classification Summary - May 2015. Collection method: clinical testing. Allele origin: germline.
Comment: Variant summary: MYLK2 c.834T>A (p.Asn278Lys) results in a non-conservative amino acid change in the encoded protein sequence. Algorithms developed to predict the effect of missense changes on protein structure and function are either unavailable or do not agree on the potential impact of this missense change. The variant allele was found at a frequency of 0.00027 in 251186 control chromosomes, predominantly at a frequency of 0.00054 within the Non-Finnish European subpopulation in the gnomAD database. The observed variant frequency within Non-Finnish European control individuals in the gnomAD database is approximately 21 fold of the estimated maximal expected allele frequency for a pathogenic variant in MYLK2 causing Cardiomyopathy phenotype (2.5e-05). To our knowledge, no occurrence of c.834T>A in individuals affected with Cardiomyopathy and no experimental evidence demonstrating its impact on protein function have been reported. ClinVar contains an entry for this variant (Variation ID: 191740). Based on the evidence outlined above, the variant was classified as likely benign.

GeneDx
Classification: Likely benign. Last evaluated: 2020-02-18. Review status: criteria provided, single submitter. Criteria: GeneDx Variant Classification Process June 2021. Collection method: clinical testing. Allele origin: germline. Affected: yes.
Comment: Reported in ClinVar as a variant of uncertain significance (ClinVar Variant ID# 191740; Landrum et al., 2016); In silico analysis supports that this missense variant does not alter protein structure/function; This variant is associated with the following publications: (PMID: 23861362)

ARUP Laboratories, Molecular Genetics and Genomics, ARUP Laboratories
Classification: Likely benign for Hypertrophic cardiomyopathy 1. Last evaluated: 2019-03-01. Review status: criteria provided, single submitter. Criteria: ARUP Molecular Germline Variant Investigation Process. Collection method: clinical testing. Allele origin: germline.

Center for Advanced Laboratory Medicine, UC San Diego Health, University of California San Diego
Classification: Uncertain significance for Hypertrophic cardiomyopathy. Last evaluated: 2017-07-26. Review status: criteria provided, single submitter. Criteria: ACMG Guidelines, 2015. Collection method: clinical testing. Allele origin: germline. Affected: yes. Observed: 1 variant allele.

CHEO Genetics Diagnostic Laboratory, Children's Hospital of Eastern Ontario
Classification: Uncertain significance for Cardiomyopathy. Last evaluated: 2016-08-29. Review status: criteria provided, single submitter. Criteria: ACMG Guidelines, 2015. Collection method: clinical testing. Allele origin: germline. Study: Canadian Open Genetics Repository.

Laboratory for Molecular Medicine, Mass General Brigham Personalized Medicine
Classification: Uncertain significance. Last evaluated: 2015-05-26. Review status: criteria provided, single submitter. Criteria: LMM Criteria. Collection method: clinical testing. Allele origin: germline. Observed: 1 variant allele.
Comment: The p.Asn278Lys variant in MYLK2 has not been previously reported in individuals with cardiomyopathy, but has been identified in 34/66410 European chromosomes b y the Exome Aggregation Consortium (ExAC; dbSNP rs41293104). Computational prediction tools and conservation analysis do not pro vide strong support for or against an impact to the protein. In summary, the cli nical significance of the p.Asn278Lys variant is uncertain.

Biesecker Lab/Clinical Genomics Section, National Institutes of Health
Classification: Uncertain significance. Last evaluated: 2013-06-24. Review status: criteria provided, single submitter. Criteria: Ng et al. (Circ Cardiovasc Genet. 2013). Collection method: research. Allele origin: unknown. Observed: 1 variant allele. Study: ClinSeq.
Comment: The study set was not selected for affection status in relation to any cancer. Pathogenicity categories were based on literature curation. See Pubmed ID:23861362 for details.

Medical sequencing

PreventionGenetics, part of Exact Sciences
Classification: Likely benign for MYLK2-related condition. Last evaluated: 2024-02-05. Review status: no assertion criteria provided. Collection method: clinical testing. Allele origin: germline. Not counted in ClinVar's aggregate classification.
Comment: This variant is classified as likely benign based on ACMG/AMP sequence variant interpretation guidelines (Richards et al. 2015 PMID: 25741868, with internal and published modifications).